The following is an entry in ClinVar:

ClinVar aggregate classification (germline): Benign. Review status: criteria provided, multiple submitters, no conflicts (2 of 4 stars). 2 submissions from 2 submitters: Benign (2). Last evaluated 2018-01-12.

Conditions:
Mitochondrial complex III deficiency nuclear type 2. Identifiers: MedGen C3554605, MONDO:0014063, OMIM 615157.

Allele frequency attached by ClinVar (database versions not stated): 1000 Genomes Project 0.03275; 1000 Genomes Project 30x 0.03326; ExAC 0.05703; TOPMed 0.05778; gnomAD 0.06411 and 0.06575; gnomAD exomes 0.06461 and 0.06989.

Submissions (2):

Illumina Laboratory Services, Illumina
Classification: Benign for Mitochondrial complex III deficiency nuclear type 2. Last evaluated: 2018-01-12. Review status: criteria provided, single submitter. Criteria: ICSL Variant Classification Criteria 13 December 2019. Collection method: clinical testing. Allele origin: germline.
Comment: This variant was observed in the ICSL laboratory as part of a predisposition screen in an ostensibly healthy population. It had not been previously curated by ICSL or reported in the Human Gene Mutation Database (HGMD: prior to June 1st, 2018), and was therefore a candidate for classification through an automated scoring system. Utilizing variant allele frequency, disease prevalence and penetrance estimates, and inheritance mode, an automated score was calculated to assess if this variant is too frequent to cause the disease. Based on the score and internal cut-off values, a variant classified as benign is not then subjected to further curation. The score for this variant resulted in a classification of benign for this disease.

Breakthrough Genomics
Classification: Benign. Review status: criteria provided, single submitter. Criteria: ACMG Guidelines, 2015. Collection method: not provided. Allele origin: germline. Inheritance: Autosomal recessive inheritance. Affected: yes.

NM_017775.4(TTC19):c.*857G>A

Gene: TTC19 (tetratricopeptide repeat domain 19; plus strand). Cytogenetic location: 17p12.
Variant type: single nucleotide variant.
Coding change: c.*857G>A on transcript NM_017775.4 (MANE Select); 857 bases downstream of the stop codon, G replaced by A.
Molecular consequence: 3 prime UTR variant.
Genome position (GRCh38, 1-based): chr17:16,028,379, G>A. VCF-style: chr17-16028379-G-A. GRCh37 (hg19) VCF-style: chr17-15931693-G-A.
Other names: c.*857G>A (NM_001271420.2).
Identifiers: ClinVar variation 321964 (VCV000321964.6), dbSNP rs72821769, ClinGen allele CA8407677.
Genomic context (GRCh38, chr17:16,028,379, plus strand): 5'-TCAGAATAGGCCCCTACAGGTATATTTTAAAACTCTTCGTAATTCTAATGTGTACTGCTG[G>A]TATAGCTGAACTACTGACCTGGATCTTAGTCCTAGCCTTTTTGCTTTTGCAATTTCAGTA-3'